The following is an entry in ClinVar:

ClinVar aggregate classification (germline): Uncertain significance (1 of 4 stars; one submission).

Conditions:
RYR1-related disorder. Also called: RYR1-related condition; RYR1-related disorders. Identifiers: MedGen CN239331.

Submission:

Labcorp Genetics (formerly Invitae), Labcorp
Classification: Uncertain significance for RYR1-related disorder. Last evaluated: 2024-07-21. Review status: criteria provided, single submitter. Criteria: Invitae Variant Classification Sherloc (09022015). Collection method: clinical testing. Allele origin: germline.
Comment: This sequence change replaces glycine, which is neutral and non-polar, with cysteine, which is neutral and slightly polar, at codon 103 of the RYR1 protein (p.Gly103Cys). This variant is not present in population databases (gnomAD no frequency). This variant has not been reported in the literature in individuals affected with RYR1-related conditions. Advanced modeling of protein sequence and biophysical properties (such as structural, functional, and spatial information, amino acid conservation, physicochemical variation, residue mobility, and thermodynamic stability) performed at Invitae indicates that this missense variant is expected to disrupt RYR1 protein function with a positive predictive value of 95%. In summary, the available evidence is currently insufficient to determine the role of this variant in disease. Therefore, it has been classified as a Variant of Uncertain Significance.

NM_000540.3(RYR1):c.307G>T (p.Gly103Cys)

Gene: RYR1 (ryanodine receptor 1; plus strand). Cytogenetic location: 19q13.2.
Variant type: single nucleotide variant.
Coding change: c.307G>T on transcript NM_000540.3 (MANE Select); coding-DNA position 307, G replaced by T.
Protein change: p.Gly103Cys; replaces glycine 103 with cysteine.
Molecular consequence: missense variant.
Genome position (GRCh38, 1-based): chr19:38,443,594, G>T. VCF-style: chr19-38443594-G-T. GRCh37 (hg19) VCF-style: chr19-38934234-G-T.
Other names: c.307G>T, p.Gly103Cys (NM_001042723.2); short protein forms G103C.
Identifiers: ClinVar variation 3636219 (VCV003636219.2).
Genomic context (GRCh38, chr19:38,443,594, plus strand): 5'-TCTGTTCCCTCCCTCCCCCTGCAGTCATCCCAGGGCGGGGGACACAGGACGCTCCTGTAT[G>T]GCCATGCCATCCTGCTCCGGCATGCACACAGCCGCATGGTGAGTGCAACCTCGGTGGGCG-3'
Protein context (NP_000531.2, residues 93-113): QGGGHRTLLY[Gly103Cys]HAILLRHAHS